The following is an entry in ClinVar:

ClinVar aggregate classification (germline): Uncertain significance. Review status: criteria provided, multiple submitters, no conflicts (2 of 4 stars). 3 submissions from 3 submitters: Uncertain significance (3). Last evaluated 2025-10-05.

Conditions:
Hypertrophic cardiomyopathy. Also called: HYPERTROPHIC MYOCARDIOPATHY. Identifiers: Orphanet 217569, MedGen C0007194, MeSH D002312, MONDO:0005045, HP:0001639.
Cardiomyopathy (CMYO). Also called: Cardiomyopathies. Identifiers: Orphanet 167848, MedGen C0878544, MONDO:0004994, HP:0001638. Inheritance: Various modes of inheritance.
Cardiovascular phenotype. Identifiers: MedGen CN230736.

Allele frequency attached by ClinVar (database versions not stated): gnomAD exomes below 0.00001; TOPMed below 0.00001; ExAC 0.00001.
gnomAD v4.1: 2 of 1,614,218 alleles (0.00012%); highest among the groups gnomAD compares: Non-Finnish European, 0.000085%; no homozygotes.

Submissions (3):

Ambry Genetics
Classification: Uncertain significance for Cardiovascular phenotype. Last evaluated: 2025-10-05. Review status: criteria provided, single submitter. Criteria: Ambry Variant Classification Scheme 2023. Collection method: clinical testing. Allele origin: germline.
Comment: The p.T205S variant (also known as c.614C>G), located in coding exon 3 of the ACTC1 gene, results from a C to G substitution at nucleotide position 614. The threonine at codon 205 is replaced by serine, an amino acid with similar properties. This amino acid position is conserved. In addition, this alteration is predicted to be deleterious by in silico analysis. Based on the available evidence, the clinical significance of this variant remains unclear.

All of Us Research Program, National Institutes of Health
Classification: Uncertain significance for Hypertrophic cardiomyopathy. Last evaluated: 2023-11-20. Review status: criteria provided, single submitter. Criteria: ACMG Guidelines, 2015. Collection method: clinical testing. Allele origin: germline. Inheritance: Autosomal dominant inheritance. Observed: 1 variant allele, 1 heterozygote.
Comment: This missense variant replaces threonine with serine at codon 205 of the ACTC1 protein. Computational prediction suggests that this variant may have deleterious impact on protein structure and function (internally defined REVEL score threshold >= 0.7, PMID: 27666373). To our knowledge, functional studies have not been reported for this variant. This variant has not been reported in individuals affected with ACTC1-related disorders in the literature. This variant has been identified in 1/251454 chromosomes in the general population by the Genome Aggregation Database (gnomAD). The available evidence is insufficient to determine the role of this variant in disease conclusively. Therefore, this variant is classified as a Variant of Uncertain Significance.

This study involves interpretation of variants in research participants for the purpose of population health screening. Participant phenotype was not available at the time of variant classification. Additional details can be found in publication PMID: 35346344, PMCID: PMC8962531

Color Diagnostics, LLC DBA Color Health
Classification: Uncertain significance for Cardiomyopathy. Last evaluated: 2023-10-25. Review status: criteria provided, single submitter. Criteria: ACMG Guidelines, 2015. Collection method: clinical testing. Allele origin: germline.
Comment: This missense variant replaces threonine with serine at codon 205 of the ACTC1 protein. Computational prediction suggests that this variant may have deleterious impact on protein structure and function. To our knowledge, functional studies have not been reported for this variant. This variant has not been reported in individuals affected with ACTC1-related disorders in the literature. This variant has been identified in 1/251454 chromosomes in the general population by the Genome Aggregation Database (gnomAD). The available evidence is insufficient to determine the role of this variant in disease conclusively. Therefore, this variant is classified as a Variant of Uncertain Significance.

NM_005159.5(ACTC1):c.614C>G (p.Thr205Ser)

Genes: ACTC1 (actin alpha cardiac muscle 1; minus strand), GJD2-DT (GJD2 divergent transcript; plus strand). Cytogenetic location: 15q14.
Variant type: single nucleotide variant.
Coding change: c.614C>G on transcript NM_005159.5 (MANE Select); coding-DNA position 614, C replaced by G.
Protein change: p.Thr205Ser; replaces threonine 205 with serine.
Molecular consequence: missense variant.
Genome position (GRCh38, 1-based): chr15:34,792,410, G>C on the plus strand (C>G on the coding strand, the complement: ACTC1 is on the minus strand). VCF-style: chr15-34792410-G-C. GRCh37 (hg19) VCF-style: chr15-35084611-G-C.
Other names: c.614C>G, p.Thr205Ser (NM_001406482.1, NM_001406483.1); c.479C>G, p.Thr160Ser (NM_001406484.1); c.173C>G, p.Thr58Ser (NM_001406485.1); short protein forms T160S, T205S, T58S.
Identifiers: ClinVar variation 3074667 (VCV003074667.3), dbSNP rs751661762, ClinGen allele CA042145.